The following is an entry in ClinVar:

ClinVar aggregate classification (germline): Uncertain significance (1 of 4 stars; one submission).

Submission:

GeneDx
Classification: Uncertain significance. Last evaluated: 2025-03-17. Review status: criteria provided, single submitter. Criteria: GeneDx Variant Classification Process June 2021. Collection method: clinical testing. Allele origin: germline. Affected: yes.
Comment: Not observed at significant frequency in large population cohorts (gnomAD); In silico analysis supports that this missense variant has a deleterious effect on protein structure/function; Has not been previously published as pathogenic or benign to our knowledge

NM_015557.3(CHD5):c.3292C>T (p.Leu1098Phe)

Gene: CHD5 (chromodomain helicase DNA binding protein 5; minus strand). Cytogenetic location: 1p36.31.
Variant type: single nucleotide variant.
Coding change: c.3292C>T on transcript NM_015557.3 (MANE Select); coding-DNA position 3292, C replaced by T.
Protein change: p.Leu1098Phe; replaces leucine 1098 with phenylalanine.
Molecular consequence: missense variant.
Genome position (GRCh38, 1-based): chr1:6,130,299, G>A on the plus strand (C>T on the coding strand, the complement: CHD5 is on the minus strand). VCF-style: chr1-6130299-G-A. GRCh37 (hg19) VCF-style: chr1-6190359-G-A.
Other names: short protein forms L1098F.
Identifiers: ClinVar variation 4086281 (VCV004086281.1).